The following is an entry in ClinVar:

ClinVar aggregate classification (germline): Uncertain significance. Review status: criteria provided, multiple submitters, no conflicts (2 of 4 stars). 2 submissions from 2 submitters: Uncertain significance (2). Last evaluated 2024-02-05.

Conditions:
Ciliary dyskinesia, primary, 40. Also called: CILIARY DYSKINESIA, PRIMARY, 40, WITH OR WITHOUT SITUS INVERSUS. Identifiers: MedGen C4749028, MONDO:0032664, OMIM 618300.
Inborn genetic diseases. Identifiers: MedGen C0950123, MeSH D030342.

Allele frequency attached by ClinVar (database versions not stated): gnomAD 0.00001; gnomAD exomes 0.00001; ExAC 0.00002; TOPMed 0.00007.
gnomAD v4.1: 16 of 1,613,242 alleles (0.00099%); highest among the groups gnomAD compares: East Asian, 0.034%; no homozygotes.

Submissions (2):

Ambry Genetics
Classification: Uncertain significance for Inborn genetic diseases. Last evaluated: 2024-02-05. Review status: criteria provided, single submitter. Criteria: Ambry Variant Classification Scheme 2023. Collection method: clinical testing. Allele origin: germline.

Juno Genomics, Hangzhou Juno Genomics, Inc
Classification: Uncertain significance for Ciliary dyskinesia, primary, 40. Review status: criteria provided, single submitter. Criteria: ACMG Guidelines, 2015. Collection method: clinical testing. Allele origin: germline.
Comment: Absent from controls (or at extremely low frequency if recessive) in Genome Aggregation Database.;Multiple lines of computational evidence support a deleterious effect on the gene or gene product.

NM_001372.4(DNAH9):c.4816T>C (p.Phe1606Leu)

Gene: DNAH9 (dynein axonemal heavy chain 9; plus strand). Cytogenetic location: 17p12.
Variant type: single nucleotide variant.
Coding change: c.4816T>C on transcript NM_001372.4 (MANE Select); coding-DNA position 4816, T replaced by C.
Protein change: p.Phe1606Leu; replaces phenylalanine 1606 with leucine.
Molecular consequence: missense variant.
Genome position (GRCh38, 1-based): chr17:11,694,391, T>C. VCF-style: chr17-11694391-T-C. GRCh37 (hg19) VCF-style: chr17-11597708-T-C.
Other names: short protein forms F1606L.
Identifiers: ClinVar variation 3084217 (VCV003084217.3), dbSNP rs765169895, ClinGen allele CA8395795.
Genomic context (GRCh38, chr17:11,694,391, plus strand): 5'-TGTGAGAAGGCCCTGGCAGAGTACCTCGACACCAAGAGGCTTGCCTTCCCGCGGTTTTAC[T>C]TTCTCTCCTCCTCCGATCTGTTAGACATCCTTTCCAACGGCACAGCTCCACAACAGGTAA-3'
Protein context (NP_001363.2, residues 1596-1616): TKRLAFPRFY[Phe1606Leu]LSSSDLLDIL